The following is an entry in ClinVar:

NM_001197104.2(KMT2A):c.5117AGC[3] (p.Gln1707_Pro1708insGln)

Gene: KMT2A (lysine methyltransferase 2A; plus strand). Cytogenetic location: 11q23.3.
Variant type: Microsatellite.
Coding change: c.5117AGC[3] on transcript NM_001197104.2 (MANE Select); three copies in a row of the 3-base unit AGC starting at c.5117; the reference has two copies in a row; one copy, 3 bases duplicated; also written c.5120_5122dup.
Protein change: p.Gln1707_Pro1708insGln.
Molecular consequence: inframe insertion. On other transcripts: inframe indel (2).
Genome position (GRCh38, 1-based): chr11:118,493,172-118,493,174, AGC duplicated; duplicating any 3 consecutive bases within chr11:118,493,168-118,493,174 gives the same sequence; the position shown is the placement nearest the transcript's 3' end. VCF-style (leftmost placement, unchanged base first): chr11-118493167-T-TCAG. GRCh37 (hg19) VCF-style: chr11-118363882-T-TCAG.
Other names: c.5117_5119AGC[3], p.Gln1707_Pro1708insGln (NM_001197104.1); c.5207AGC[3], p.Gln1737_Pro1738insGln (NM_001412597.1); c.5108AGC[3], p.Gln1704_Pro1705insGln (NM_005933.4); c.5120_5122dup (NM_001197104.1).
Identifiers: ClinVar variation 2579989 (VCV002579989.2), dbSNP rs1555043081, ClinGen allele CA602161229.

ClinVar aggregate classification (germline): Uncertain significance (1 of 4 stars; one submission).

Submission:

GeneDx
Classification: Uncertain significance. Last evaluated: 2024-12-07. Review status: criteria provided, single submitter. Criteria: GeneDx Variant Classification Process June 2021. Collection method: clinical testing. Allele origin: germline.
Comment: In-frame duplication of 1 amino acid in a non-repeat region; Has not been previously published as pathogenic or benign to our knowledge